The following is an entry in ClinVar:

ClinVar aggregate classification (germline): Uncertain significance. Review status: criteria provided, multiple submitters, no conflicts (2 of 4 stars). 3 submissions from 3 submitters: Uncertain significance (2). 1 of the submissions does not count toward it. Last evaluated 2021-08-24.

Conditions:
Nemaline myopathy 2 (NEM2). Also called: Nemaline myopathy 2, autosomal recessive. Identifiers: MedGen C1850569, MONDO:0009725, OMIM 256030.

Allele frequency attached by ClinVar (database versions not stated): gnomAD 0.00001; TOPMed 0.00001; gnomAD exomes below 0.00001.
gnomAD v4.1: 32 of 1,605,694 alleles (0.002%); highest among the groups gnomAD compares: Non-Finnish European, 0.0027%; no homozygotes.

Submissions (3):

Labcorp Genetics (formerly Invitae), Labcorp
Classification: Uncertain significance for Nemaline myopathy 2. Last evaluated: 2021-08-24. Review status: criteria provided, single submitter. Criteria: Invitae Variant Classification Sherloc (09022015). Collection method: clinical testing. Allele origin: germline.

GeneDx
Classification: Uncertain significance. Last evaluated: 2017-09-12. Review status: criteria provided, single submitter. Criteria: GeneDx Variant Classification (06012015). Collection method: clinical testing. Allele origin: germline. Affected: yes.
Comment: The L3003V variant has not been published as a pathogenic variant, nor has it been reported as a benign variant to our knowledge. The L3003V variant is not observed in large population cohorts (Lek et al., 2016; 1000 Genomes Consortium et al., 2015; Exome Variant Server). This variant is a conservative amino acid substitution, which is not likely to impact secondary protein structure as these residues share similar properties. However, this substitution occurs at a position that is conserved in mammals. In silico analysis is inconsistent in its predictions as to whether or not the variant is damaging to the protein structure/function.

Natera, Inc.
Classification: Uncertain significance for Nemaline myopathy type 2. Last evaluated: 2020-09-16. Review status: no assertion criteria provided. Collection method: clinical testing. Allele origin: germline. Not counted in ClinVar's aggregate classification.

NM_001164508.2(NEB):c.9007C>G (p.Leu3003Val)

Gene: NEB (nebulin; minus strand). Cytogenetic location: 2q23.3.
Variant type: single nucleotide variant.
Coding change: c.9007C>G on transcript NM_001164508.2 (MANE Select); coding-DNA position 9007, C replaced by G.
Protein change: p.Leu3003Val; replaces leucine 3003 with valine.
Molecular consequence: missense variant. On other transcripts: intron variant (1).
Genome position (GRCh38, 1-based): chr2:151,636,322, G>C on the plus strand (C>G on the coding strand, the complement: NEB is on the minus strand). VCF-style: chr2-151636322-G-C. GRCh37 (hg19) VCF-style: chr2-152492836-G-C.
Other names: c.9007C>G, p.Leu3003Val (NM_001164507.2, NM_001271208.2); c.8853+3571C>G (NM_004543.5); short protein forms L3003V.
Identifiers: ClinVar variation 451864 (VCV000451864.7), dbSNP rs1415513452, ClinGen allele CA348805813.
Genomic context (GRCh38, chr2:151,636,322, plus strand): 5'-CGATGGGGATGGCGTCGCTTCGCAAGTCATAGCCTTTCTTCTTTGCTTCTTCATTAGCAA[G>C]TTTGTACAGACTCTAAATTTGGGGGAAAAAAAATCAGATGCTGACATTTATATCTAAAAA-3'
Protein context (NP_001157980.2, residues 2993-3013): KINYSESLYK[Leu3003Val]ANEEAKKKGY